The following is an entry in ClinVar:

ClinVar aggregate classification (germline): Uncertain significance (0 of 4 stars; one submission).

Conditions:
RFX7-related disorder. Also called: RFX7-related condition.

Submission:

PreventionGenetics, part of Exact Sciences
Classification: Uncertain significance for RFX7-related condition. Last evaluated: 2024-04-16. Review status: no assertion criteria provided. Collection method: clinical testing. Allele origin: germline.
Comment: The RFX7 c.904G>A variant is predicted to result in the amino acid substitution p.Asp302Asn. To our knowledge, this variant has not been reported in the literature or in a large population database, indicating this variant is rare. At this time, the clinical significance of this variant is uncertain due to the absence of conclusive functional and genetic evidence.

NM_022841.7(RFX7):c.904G>A (p.Asp302Asn)

Gene: RFX7 (regulatory factor X7; minus strand). Cytogenetic location: 15q21.3.
Variant type: single nucleotide variant.
Coding change: c.904G>A on transcript NM_022841.7 (MANE Select); coding-DNA position 904, G replaced by A.
Protein change: p.Asp302Asn; replaces aspartic acid 302 with asparagine.
Molecular consequence: missense variant.
Genome position (GRCh38, 1-based): chr15:56,098,284, C>T on the plus strand (G>A on the coding strand, the complement: RFX7 is on the minus strand). VCF-style: chr15-56098284-C-T. GRCh37 (hg19) VCF-style: chr15-56390482-C-T.
Other names: c.613G>A, p.Asp205Asn (NM_001368073.2, NM_001368074.1, NM_001370554.1); c.904G>A, p.Asp302Asn (NM_001370561.1); short protein forms D205N, D302N.
Identifiers: ClinVar variation 3348129 (VCV003348129.1).